The following is an entry in ClinVar:

ClinVar aggregate classification (germline): Uncertain significance (0 of 4 stars; one submission).

Conditions:
KCNJ5-related disorder. Also called: KCNJ5-related condition.

gnomAD v4.1: 2 of 1,614,220 alleles (0.00012%); no homozygotes.

Submission:

PreventionGenetics, part of Exact Sciences
Classification: Uncertain significance for KCNJ5-related condition. Last evaluated: 2024-01-17. Review status: no assertion criteria provided. Collection method: clinical testing. Allele origin: germline.
Comment: The KCNJ5 c.182A>G variant is predicted to result in the amino acid substitution p.Asn61Ser. To our knowledge, this variant has not been reported in the literature or in a large population database, indicating this variant is rare. At this time, the clinical significance of this variant is uncertain due to the absence of conclusive functional and genetic evidence.

NM_000890.5(KCNJ5):c.182A>G (p.Asn61Ser)

Gene: KCNJ5 (potassium inwardly rectifying channel subfamily J member 5; plus strand). Cytogenetic location: 11q24.3.
Variant type: single nucleotide variant.
Coding change: c.182A>G on transcript NM_000890.5 (MANE Select); coding-DNA position 182, A replaced by G.
Protein change: p.Asn61Ser; replaces asparagine 61 with serine.
Molecular consequence: missense variant.
Genome position (GRCh38, 1-based): chr11:128,911,455, A>G. VCF-style: chr11-128911455-A-G. GRCh37 (hg19) VCF-style: chr11-128781350-A-G.
Other names: c.182A>G, p.Asn61Ser (NM_001354169.2); short protein forms N61S.
Identifiers: ClinVar variation 3030993 (VCV003030993.2), dbSNP rs2497722474, ClinGen allele CA383246409.